The following is an entry in ClinVar:

NM_001042492.3(NF1):c.6663A>G (p.Pro2221=)

Gene: NF1 (neurofibromin 1; plus strand). Cytogenetic location: 17q11.2.
Variant type: single nucleotide variant.
Coding change: c.6663A>G on transcript NM_001042492.3 (MANE Select); coding-DNA position 6663, A replaced by G.
Protein change: p.Pro2221=; no amino-acid change (proline 2221 retained).
Molecular consequence: synonymous variant.
Genome position (GRCh38, 1-based): chr17:31,337,839, A>G. VCF-style: chr17-31337839-A-G. GRCh37 (hg19) VCF-style: chr17-29664857-A-G.
Other names: c.6600A>G, p.Pro2200= (NM_000267.4).
Identifiers: ClinVar variation 233018 (VCV000233018.14), dbSNP rs876660136, ClinGen allele CA10580384.

ClinVar aggregate classification (germline): Benign/Likely benign. Review status: criteria provided, multiple submitters, no conflicts (2 of 4 stars). 4 submissions from 4 submitters: Benign (1); Likely benign (3). Last evaluated 2026-05-21.

Conditions:
Hereditary cancer-predisposing syndrome. Also called: Hereditary neoplastic syndrome; Neoplastic Syndromes, Hereditary; Hereditary Cancer Syndrome; Tumor predisposition. Identifiers: Orphanet 140162, MedGen C0027672, MeSH D009386, MONDO:0015356.
Neurofibromatosis, type 1 (NF1). Also called: NEUROFIBROMATOSIS, TYPE I, SOMATIC; Neurofibromatosis, type I; VON RECKLINGHAUSEN DISEASE; Peripheral type neurofibromatosis. Identifiers: Orphanet 636, MedGen C0027831, MONDO:0018975, OMIM 162200. Disease mechanism: loss of function.

Allele frequency attached by ClinVar (database versions not stated): gnomAD 0.00001 and below 0.00001; gnomAD exomes below 0.00001.
gnomAD v4.1: 4 of 1,613,896 alleles (0.00025%); highest among the groups gnomAD compares: South Asian, 0.0033%; no homozygotes.

Submissions (4):

Myriad Genetics, Inc.
Classification: Benign for Neurofibromatosis, type 1. Last evaluated: 2026-05-21. Review status: criteria provided, single submitter. Criteria: Myriad Autosomal Dominant, Autosomal Recessive and X-Linked Classification Criteria (2023). Collection method: clinical testing. Allele origin: unknown.
Comment: This variant is considered benign. This variant is a silent/synonymous amino acid change and it is not expected to impact splicing.

Labcorp Genetics (formerly Invitae), Labcorp
Classification: Likely benign for Neurofibromatosis, type 1. Last evaluated: 2026-02-02. Review status: criteria provided, single submitter. Criteria: Invitae Variant Classification Sherloc (09022015). Collection method: clinical testing. Allele origin: germline.

Genome-Nilou Lab
Classification: Likely benign for Neurofibromatosis, type 1. Last evaluated: 2022-03-15. Review status: criteria provided, single submitter. Criteria: ACMG Guidelines, 2015. Collection method: clinical testing. Allele origin: germline. Affected: no.

Ambry Genetics
Classification: Likely benign for Hereditary cancer-predisposing syndrome. Last evaluated: 2015-07-16. Review status: criteria provided, single submitter. Criteria: Ambry Autosomal Dominant and X-Linked criteria (10/2015). Collection method: clinical testing. Allele origin: germline. Observed: 1 variant allele.
Comment: Synonymous alterations with insufficient evidence to classify as benign